The following is an entry in ClinVar:

ClinVar aggregate classification (germline): Pathogenic. Review status: reviewed by expert panel (3 of 4 stars). 2 submissions from 2 submitters: Pathogenic (1). 1 of the submissions does not count toward it. Last evaluated 2026-11-20.

Conditions:
Primary ciliary dyskinesia. Also called: Ciliary dyskinesia. Identifiers: Orphanet 244, MedGen C0008780, MONDO:0016575, HP:0012265.
RPGR-related retinopathy. Also called: RPGR retinopathy. Identifiers: MedGen CN305589, MONDO:0100437.

Submissions (2):

ClinGen X-linked Inherited Retinal Disease Variant Curation Expert Panel, ClinGen
Classification: Pathogenic for RPGR-related retinopathy. Last evaluated: 2026-11-20. Review status: reviewed by expert panel. Criteria: ClinGen X LinkedIRD ACMG Specifications RPGR V1.0.0. Collection method: curation. Allele origin: germline. Inheritance: X-linked inheritance.
Comment: NM_001034853.2(RPGR):c.2803G>T (p.Glu935Ter) is a nonsense variant that introduces a premature stop codon in exon 15 of 15 that is predicted to disrupt a critical C-terminal region required for proper glutamylation of RPGR (PVS1, PMID: 36445968). This variant is absent from hemizygous individuals in gnomAD v4.1.2 (PM2_Supporting). At least one proband harboring this variant exhibits a phenotype including extinguished cone and rod electroretinogram responses, first-decade onset (1 point), myopic fundus (0.5 points), and decreased central visual acuity (0.5 pts), with genotyping by next-generation sequencing examining a panel of more than 400 genes and identifying no alternative basis for disease (2 pts), which together are specific for RPGR-related retinopathy (4 points, PMID: 39206744, PP4). In summary, this variant is classified as pathogenic for RPGR-related retinopathy based on the ClinGen X-linked Inherited Retinal Disease Expert Panel Specifications to the ACMG/AMP Variant Interpretation Guidelines for RPGR Version 1.0.0; PVS1, PM2_Supporting, and PP4.

Labcorp Genetics (formerly Invitae), Labcorp
Classification: Pathogenic for Primary ciliary dyskinesia. Last evaluated: 2022-09-06. Review status: criteria provided, single submitter. Criteria: Invitae Variant Classification Sherloc (09022015). Collection method: clinical testing. Allele origin: germline. Not counted in ClinVar's aggregate classification.
Comment: For these reasons, this variant has been classified as Pathogenic. This variant disrupts a region of the RPGR (ORF15) protein in which other variant(s) (p.Leu1130Lysfs*13) have been determined to be pathogenic (PMID: 22264887; Invitae). This suggests that this is a clinically significant region of the protein, and that variants that disrupt it are likely to be disease-causing. This variant has not been reported in the literature in individuals affected with RPGR (ORF15)-related conditions. The frequency data for this variant in the population databases is considered unreliable, as metrics indicate insufficient coverage at this position in the gnomAD database. This sequence change creates a premature translational stop signal (p.Glu935*) in the RPGR (ORF15) gene. While this is not anticipated to result in nonsense mediated decay, it is expected to disrupt the last 218 amino acid(s) of the RPGR (ORF15) protein.

Literature cited by the submitters: PubMed 22264887 (cited by Labcorp Genetics (formerly Invitae), Labcorp).

NM_001034853.2(RPGR):c.2803G>T (p.Glu935Ter)

Gene: RPGR (retinitis pigmentosa GTPase regulator; minus strand). Cytogenetic location: Xp11.4.
Variant type: single nucleotide variant.
Coding change: c.2803G>T on transcript NM_001034853.2 (MANE Select); coding-DNA position 2803, G replaced by T.
Protein change: p.Glu935Ter; replaces glutamic acid 935 with a stop codon.
Molecular consequence: nonsense. On other transcripts: intron variant (8).
Genome position (GRCh38, 1-based): chrX:38,286,196, C>A on the plus strand (G>T on the coding strand, the complement: RPGR is on the minus strand). VCF-style: chrX-38286196-C-A. GRCh37 (hg19) VCF-style: chrX-38145449-C-A.
Other names: NM_001034853.2(RPGR):c.2803G>T; p.Glu935Ter; c.1569+4763G>T (NM_001367249.1, NM_001367250.1); c.1902+898G>T (NM_001367245.1); c.1386+4763G>T (NM_001367251.1); c.1719+898G>T (NM_001367246.1); c.1572+4763G>T (NM_001367247.1); c.1905+898G>T (NM_000328.3); and 1 more; short protein forms E935*.
Identifiers: ClinVar variation 2020793 (VCV002020793.5), dbSNP rs2519786858, ClinGen allele CA412729742.